The following is an entry in ClinVar:

ClinVar aggregate classification (germline): Uncertain significance (1 of 4 stars; one submission).

Conditions:
Pyogenic arthritis-pyoderma gangrenosum-acne syndrome (PAPA). Also called: FAMILIAL RECURRENT ARTHRITIS; PAPA SYNDROME. Identifiers: Orphanet 69126, MedGen C1858361, MONDO:0011462, OMIM 604416.

Allele frequency attached by ClinVar (database versions not stated): gnomAD exomes 0.00001; gnomAD 0.00002; TOPMed 0.00002.
gnomAD v4.1: 25 of 1,610,926 alleles (0.0016%); highest among the groups gnomAD compares: Non-Finnish European, 0.002%; no homozygotes.

Submission:

Labcorp Genetics (formerly Invitae), Labcorp
Classification: Uncertain significance for Pyogenic arthritis-pyoderma gangrenosum-acne syndrome. Last evaluated: 2026-01-11. Review status: criteria provided, single submitter. Criteria: Invitae Variant Classification Sherloc (09022015). Collection method: clinical testing. Allele origin: germline.
Comment: This sequence change replaces valine, which is neutral and non-polar, with aspartic acid, which is acidic and polar, at codon 408 of the PSTPIP1 protein (p.Val408Asp). This variant is present in population databases (no rsID available, gnomAD 0.007%). This variant has not been reported in the literature in individuals affected with PSTPIP1-related conditions. ClinVar contains an entry for this variant (Variation ID: 2187689). Invitae Evidence Modeling of protein sequence and biophysical properties (such as structural, functional, and spatial information, amino acid conservation, physicochemical variation, residue mobility, and thermodynamic stability) indicates that this missense variant is expected to disrupt PSTPIP1 protein function with a positive predictive value of 80%. In summary, the available evidence is currently insufficient to determine the role of this variant in disease. Therefore, it has been classified as a Variant of Uncertain Significance.

NM_003978.5(PSTPIP1):c.1223T>A (p.Val408Asp)

Gene: PSTPIP1 (proline-serine-threonine phosphatase interacting protein 1; plus strand). Cytogenetic location: 15q24.3.
Variant type: single nucleotide variant.
Coding change: c.1223T>A on transcript NM_003978.5 (MANE Select); coding-DNA position 1223, T replaced by A.
Protein change: p.Val408Asp; replaces valine 408 with aspartic acid.
Molecular consequence: missense variant. On other transcripts: non-coding transcript variant (1).
Genome position (GRCh38, 1-based): chr15:77,037,148, T>A. VCF-style: chr15-77037148-T-A. GRCh37 (hg19) VCF-style: chr15-77329489-T-A.
Other names: c.1166T>A, p.Val389Asp (NM_001321135.2); c.1196T>A, p.Val399Asp (NM_001321136.2); c.1418T>A, p.Val473Asp (NM_001321137.1); c.1214T>A, p.Val405Asp (NM_001411086.1); short protein forms V405D, V389D, V473D, V399D, V408D.
Identifiers: ClinVar variation 2187689 (VCV002187689.4), dbSNP rs970017633, ClinGen allele CA273766429.